The following is an entry in ClinVar:

ClinVar aggregate classification (germline): Uncertain significance. Review status: criteria provided, multiple submitters, no conflicts (2 of 4 stars). 2 submissions from 2 submitters: Uncertain significance (2). Last evaluated 2024-07-10.

Conditions:
Amyotrophic lateral sclerosis type 4 (ALS4). Also called: NEURONOPATHY, DISTAL HEREDITARY MOTOR, WITH PYRAMIDAL FEATURES; AMYOTROPHIC LATERAL SCLEROSIS 4, JUVENILE. Identifiers: Orphanet 357043, MedGen C1865409, MONDO:0011223, OMIM 602433.
Spinocerebellar ataxia, autosomal recessive, with axonal neuropathy 2 (SCAN2). Also called: Ataxia-ocular apraxia-2; ATAXIA-OCULOMOTOR APRAXIA 2; Ataxia with Oculomotor Apraxia; Ataxia with Oculomotor Apraxia Type 2. Identifiers: Orphanet 64753, MedGen C1853761, MONDO:0018996, OMIM 606002.

Allele frequency attached by ClinVar (database versions not stated): TOPMed below 0.00001.
gnomAD v4.1: 2 of 1,613,980 alleles (0.00012%); highest among the groups gnomAD compares: Non-Finnish European, 0.00017%; no homozygotes.

Submissions (2):

Athena Diagnostics
Classification: Uncertain significance. Last evaluated: 2024-07-10. Review status: criteria provided, single submitter. Criteria: Athena Diagnostics Criteria. Collection method: clinical testing. Allele origin: unknown.
Comment: Available data are insufficient to determine the clinical significance of the variant at this time. This variant has not been reported in large, multi-ethnic general populations. Polyphen and MutationTaster yielded discordant predictions regarding whether this amino acid change is damaging to the protein.

Labcorp Genetics (formerly Invitae), Labcorp
Classification: Uncertain significance for Amyotrophic lateral sclerosis type 4; Spinocerebellar ataxia, autosomal recessive, with axonal neuropathy 2. Last evaluated: 2022-02-27. Review status: criteria provided, single submitter. Criteria: Invitae Variant Classification Sherloc (09022015). Collection method: clinical testing. Allele origin: germline.
Comment: In summary, the available evidence is currently insufficient to determine the role of this variant in disease. Therefore, it has been classified as a Variant of Uncertain Significance. Advanced modeling of protein sequence and biophysical properties (such as structural, functional, and spatial information, amino acid conservation, physicochemical variation, residue mobility, and thermodynamic stability) performed at Invitae indicates that this missense variant is not expected to disrupt SETX protein function. This variant has not been reported in the literature in individuals affected with SETX-related conditions. This variant is not present in population databases (gnomAD no frequency). This sequence change replaces cysteine, which is neutral and slightly polar, with tyrosine, which is neutral and polar, at codon 637 of the SETX protein (p.Cys637Tyr).

NM_015046.7(SETX):c.1910G>A (p.Cys637Tyr)

Gene: SETX (senataxin; minus strand). Cytogenetic location: 9q34.13.
Variant type: single nucleotide variant.
Coding change: c.1910G>A on transcript NM_015046.7 (MANE Select); coding-DNA position 1910, G replaced by A.
Protein change: p.Cys637Tyr; replaces cysteine 637 with tyrosine.
Molecular consequence: missense variant.
Genome position (GRCh38, 1-based): chr9:132,329,688, C>T on the plus strand (G>A on the coding strand, the complement: SETX is on the minus strand). VCF-style: chr9-132329688-C-T. GRCh37 (hg19) VCF-style: chr9-135205075-C-T.
Other names: c.1910G>A, p.Cys637Tyr (NM_001351527.2, NM_001351528.2); short protein forms C637Y.
Identifiers: ClinVar variation 1947059 (VCV001947059.6), dbSNP rs758089994, ClinGen allele CA200813537.